The following is an entry in ClinVar:

NM_000077.5(CDKN2A):c.7C>A (p.Pro3Thr)

Genes: CDKN2A (cyclin dependent kinase inhibitor 2A; minus strand), LOC130001603 (ATAC-STARR-seq lymphoblastoid silent region 19811; plus strand). Cytogenetic location: 9p21.3.
Variant type: single nucleotide variant.
Coding change: c.7C>A on transcript NM_000077.5; coding-DNA position 7, C replaced by A.
Protein change: p.Pro3Thr; replaces proline 3 with threonine.
Molecular consequence: missense variant (on NM_000077.6). On other transcripts: intron variant (2).
Genome position (GRCh38, 1-based): chr9:21,974,821, G>T on the plus strand (C>A on the coding strand, the complement: CDKN2A is on the minus strand). VCF-style: chr9-21974821-G-T. GRCh37 (hg19) VCF-style: chr9-21974820-G-T.
Other names: c.7C>A, p.Pro3Thr (NM_000077.6, NM_001195132.2, NM_058197.5); c.-3-3613C>A (NM_001363763.2); c.194-3613C>A (NM_058195.4); short protein forms P3T.
Identifiers: ClinVar variation 3489667 (VCV003489667.1).

ClinVar aggregate classification (germline): Uncertain significance (1 of 4 stars; one submission).

Conditions:
Hereditary cancer-predisposing syndrome. Also called: Tumor predisposition; Neoplastic Syndromes, Hereditary; Hereditary Cancer Syndrome; Hereditary neoplastic syndrome. Identifiers: Orphanet 140162, MedGen C0027672, MeSH D009386, MONDO:0015356.

gnomAD v4.1: 4 of 1,591,702 alleles (0.00025%); highest among the groups gnomAD compares: South Asian, 0.0011%; no homozygotes.

Submission:

Ambry Genetics
Classification: Uncertain significance for Hereditary cancer-predisposing syndrome. Last evaluated: 2024-09-13. Review status: criteria provided, single submitter. Criteria: Ambry Variant Classification Scheme 2023. Collection method: clinical testing. Allele origin: germline.
Comment: The p.P3T variant (also known as c.7C>A), located in coding exon 1 of the CDKN2A gene, results from a C to A substitution at nucleotide position 7. The proline at codon 3 is replaced by threonine, an amino acid with highly similar properties. This amino acid position is well conserved in available vertebrate species. In addition, the in silico prediction for this alteration is inconclusive. Based on the available evidence, the clinical significance of this variant remains unclear.